The following is an entry in ClinVar:

NM_020549.5(CHAT):c.1266C>T (p.Tyr422=)

Gene: CHAT (choline O-acetyltransferase; plus strand). Cytogenetic location: 10q11.23.
Variant type: single nucleotide variant.
Coding change: c.1266C>T on transcript NM_020549.5 (MANE Select); coding-DNA position 1266, C replaced by T.
Protein change: p.Tyr422=; no amino-acid change (tyrosine 422 retained).
Molecular consequence: synonymous variant.
Genome position (GRCh38, 1-based): chr10:49,646,659, C>T. VCF-style: chr10-49646659-C-T. GRCh37 (hg19) VCF-style: chr10-50854705-C-T.
Other names: c.1266C>T (NM_020549.4); c.912C>T, p.Tyr304= (NM_001142929.2, NM_001142934.2, NM_020984.4 and 2 more transcripts); c.1020C>T, p.Tyr340= (NM_001142933.2).
Identifiers: ClinVar variation 1663640 (VCV001663640.10), dbSNP rs201381950, ClinGen allele CA5497423.

ClinVar aggregate classification (germline): Likely benign. Review status: criteria provided, single submitter (1 of 4 stars). 2 submissions from 2 submitters: Likely benign (1). 1 of the submissions does not count toward it. Last evaluated 2025-08-21.

Conditions:
CHAT-related disorder. Also called: CHAT-related condition.
Familial infantile myasthenia (CMS6). Also called: Congenital myasthenic syndrome type 6; MYASTHENIC SYNDROME, CONGENITAL, 6, PRESYNAPTIC; MYASTHENIC SYNDROME, PRESYNAPTIC, CONGENITAL, ASSOCIATED WITH EPISODIC APNEA. Identifiers: Orphanet 590, MedGen C0393929, MONDO:0009689, OMIM 254210.

Allele frequency attached by ClinVar (database versions not stated): gnomAD 0.00005 and 0.00006; TOPMed 0.00009; ExAC 0.00010.
gnomAD v4.1: 112 of 1,613,674 alleles (0.0069%); highest among the groups gnomAD compares: Middle Eastern, 0.017%; no homozygotes.

Submissions (2):

Labcorp Genetics (formerly Invitae), Labcorp
Classification: Likely benign for Familial infantile myasthenia. Last evaluated: 2025-08-21. Review status: criteria provided, single submitter. Criteria: Invitae Variant Classification Sherloc (09022015). Collection method: clinical testing. Allele origin: germline.

PreventionGenetics, part of Exact Sciences
Classification: Likely benign for CHAT-related condition. Last evaluated: 2020-07-22. Review status: no assertion criteria provided. Collection method: clinical testing. Allele origin: germline. Not counted in ClinVar's aggregate classification.
Comment: This variant is classified as likely benign based on ACMG/AMP sequence variant interpretation guidelines (Richards et al. 2015 PMID: 25741868, with internal and published modifications).